The following is an entry in ClinVar:

NM_004304.5(ALK):c.4151A>G (p.Glu1384Gly)

Gene: ALK (ALK receptor tyrosine kinase; minus strand). Cytogenetic location: 2p23.2.
Variant type: single nucleotide variant.
Coding change: c.4151A>G on transcript NM_004304.5 (MANE Select); coding-DNA position 4151, A replaced by G.
Protein change: p.Glu1384Gly; replaces glutamic acid 1384 with glycine.
Molecular consequence: missense variant.
Genome position (GRCh38, 1-based): chr2:29,196,783, T>C on the plus strand (A>G on the coding strand, the complement: ALK is on the minus strand). VCF-style: chr2-29196783-T-C. GRCh37 (hg19) VCF-style: chr2-29419649-T-C.
Other names: c.947A>G, p.Glu316Gly (NM_001353765.2); short protein forms E1384G, E316G.
Identifiers: ClinVar variation 1472844 (VCV001472844.8), dbSNP rs1669032859, ClinGen allele CA346464867.
Genomic context (GRCh38, chr2:29,196,783, plus strand): 5'-CTGTTTCATATAGAGTAAATGTTGACCAAAGGGAGAAAATGTTTTACCTGGGTGCAGTAT[T>C]CAATCCTCTCCAAAATGATGGCAAAGTTGGGCCTGTCTTCAGGCTGATGTTGCCAGCACT-3'
Protein context (NP_004295.2, residues 1374-1394): PNFAIILERI[Glu1384Gly]YCTQDPDVIN

ClinVar aggregate classification (germline): Uncertain significance (1 of 4 stars; one submission).

Conditions:
Neuroblastoma, susceptibility to, 3. Also called: ALK-Related Neuroblastic Tumor Susceptibility. Identifiers: Orphanet 635, MedGen C2751681, MONDO:0013083, OMIM 613014.

Submission:

Labcorp Genetics (formerly Invitae), Labcorp
Classification: Uncertain significance for Neuroblastoma, susceptibility to, 3. Last evaluated: 2025-02-03. Review status: criteria provided, single submitter. Criteria: Invitae Variant Classification Sherloc (09022015). Collection method: clinical testing. Allele origin: germline.
Comment: This sequence change replaces glutamic acid, which is acidic and polar, with glycine, which is neutral and non-polar, at codon 1384 of the ALK protein (p.Glu1384Gly). This variant is not present in population databases (gnomAD no frequency). This variant has not been reported in the literature in individuals affected with ALK-related conditions. ClinVar contains an entry for this variant (Variation ID: 1472844). An algorithm developed to predict the effect of missense changes on protein structure and function (PolyPhen-2) suggests that this variant is likely to be tolerated. In summary, the available evidence is currently insufficient to determine the role of this variant in disease. Therefore, it has been classified as a Variant of Uncertain Significance.